The following is an entry in ClinVar:

ClinVar aggregate classification (germline): Pathogenic (1 of 4 stars; one submission).

Conditions:
Microcephaly-intellectual disability-sensorineural hearing loss-epilepsy-abnormal muscle tone syndrome (NEDHSB). Also called: NEURODEVELOPMENTAL DISORDER WITH HEARING LOSS, SEIZURES, AND BRAIN ABNORMALITIES. Identifiers: Orphanet 457351, MedGen C4225276, MONDO:0014698, OMIM 616577.

Submission:

Labcorp Genetics (formerly Invitae), Labcorp
Classification: Pathogenic for Microcephaly-intellectual disability-sensorineural hearing loss-epilepsy-abnormal muscle tone syndrome. Last evaluated: 2025-04-21. Review status: criteria provided, single submitter. Criteria: Invitae Variant Classification Sherloc (09022015). Collection method: clinical testing. Allele origin: germline.
Comment: This sequence change creates a premature translational stop signal (p.Ile155Asnfs*2) in the SPATA5 gene. It is expected to result in an absent or disrupted protein product. Loss-of-function variants in SPATA5 are known to be pathogenic (PMID: 26299366). This variant is not present in population databases (gnomAD no frequency). This variant has not been reported in the literature in individuals affected with SPATA5-related conditions. For these reasons, this variant has been classified as Pathogenic.

Literature cited by the submitters: PubMed 26299366.

NM_145207.3(AFG2A):c.463dup (p.Ile155fs)

Gene: AFG2A (AAA ATPase AFG2A; plus strand). Cytogenetic location: 4q28.1.
Variant type: Duplication.
Coding change: c.463dup on transcript NM_145207.3 (MANE Select); coding-DNA position 463, one base duplicated (A; older notation c.463dupA).
Protein change: p.Ile155fs; shifts the reading frame from isoleucine 155.
Molecular consequence: frameshift variant.
Genome position (GRCh38, 1-based): chr4:122,933,455, A duplicated; the last of 3 consecutive A bases (chr4:122,933,453-122,933,455); duplicating any one gives the same sequence. VCF-style (leftmost placement, unchanged base first): chr4-122933452-G-GA. GRCh37 (hg19) VCF-style: chr4-123854607-G-GA.
Other names: c.460dup, p.Ile154fs (NM_001317799.2, NM_001345856.2, NM_001437913.1); c.463dup, p.Ile155fs (NM_001438322.1); short protein forms I154fs, I155fs.
Identifiers: ClinVar variation 4784780 (VCV004784780.1).
Genomic context (GRCh38, chr4:122,933,452, plus strand): 5'-CTGGTGTACCTAATGCTGATTTCTGTTCCCTTCTTATCCTTTTACAGTGACAAAGATATG[G>GA]AAATTAATGAAGAAGAACTGACTGGTTGTATCCTGAGAAAACTAGGTGAGACAAATATTT-3'